The following is an entry in ClinVar:

NM_001370259.2(MEN1):c.1300G>A (p.Val434Met)

Gene: MEN1 (menin 1; minus strand). Cytogenetic location: 11q13.1.
Variant type: single nucleotide variant.
Coding change: c.1300G>A on transcript NM_001370259.2 (MANE Select); coding-DNA position 1300, G replaced by A.
Protein change: p.Val434Met; replaces valine 434 with methionine.
Molecular consequence: missense variant.
Genome position (GRCh38, 1-based): chr11:64,805,084, C>T on the plus strand (G>A on the coding strand, the complement: MEN1 is on the minus strand). VCF-style: chr11-64805084-C-T. GRCh37 (hg19) VCF-style: chr11-64572556-C-T.
Other names: c.1315G>A, p.Val439Met (NM_000244.4, NM_001407145.1, NM_130800.3 and 4 more transcripts); c.1426G>A, p.Val476Met (NM_001370251.2, NM_001407142.1, NM_001407143.1 and 1 more transcripts); c.1300G>A, p.Val434Met (NM_001370260.2, NM_001370261.2, NM_001407146.1 and 2 more transcripts); c.1195G>A, p.Val399Met (NM_001370262.2, NM_001370263.2, NM_001407148.1 and 1 more transcripts); c.1441G>A, p.Val481Met (NM_001407150.1); c.1321G>A, p.Val441Met (NM_001407151.1); short protein forms V399M, V439M, V476M, V434M, V441M, V481M.
Identifiers: ClinVar variation 961657 (VCV000961657.4), dbSNP rs767854775, ClinGen allele CA060379.

ClinVar aggregate classification (germline): Uncertain significance. Review status: criteria provided, multiple submitters, no conflicts (2 of 4 stars). 2 submissions from 2 submitters: Uncertain significance (2). Last evaluated 2026-06-03.

Conditions:
Hereditary cancer-predisposing syndrome. Also called: Hereditary Cancer Syndrome; Neoplastic Syndromes, Hereditary; Tumor predisposition; Hereditary neoplastic syndrome. Identifiers: Orphanet 140162, MedGen C0027672, MeSH D009386, MONDO:0015356.
Multiple endocrine neoplasia, type 1 (MEN1). Also called: MEA I; MEN I; WERMER SYNDROME; Endocrine adenomatosis multiple; MEN 1. Identifiers: Orphanet 652, MedGen C0025267, MeSH D018761, MONDO:0007540, OMIM 131100.

Allele frequency attached by ClinVar (database versions not stated): gnomAD exomes below 0.00001; ExAC 0.00001.
gnomAD v4.1: 1 of 1,614,128 alleles (0.000062%); no homozygotes.

Submissions (2):

Ambry Genetics
Classification: Uncertain significance for Hereditary cancer-predisposing syndrome. Last evaluated: 2026-06-03. Review status: criteria provided, single submitter. Criteria: Ambry Variant Classification Scheme 2023. Collection method: clinical testing. Allele origin: germline.
Comment: The p.V434M variant (also known as c.1300G>A), located in coding exon 8 of the MEN1 gene, results from a G to A substitution at nucleotide position 1300. The valine at codon 434 is replaced by methionine, an amino acid with highly similar properties. This variant was reported in individual(s) with features consistent with Multiple endocrine neoplasia type 1. This amino acid position is highly conserved in available vertebrate species. In addition, this alteration is predicted to be deleterious by in silico analysis. Based on the available evidence, the clinical significance of this variant remains unclear.

Labcorp Genetics (formerly Invitae), Labcorp
Classification: Uncertain significance for Multiple endocrine neoplasia, type 1. Last evaluated: 2019-09-30. Review status: criteria provided, single submitter. Criteria: Invitae Variant Classification Sherloc (09022015). Collection method: clinical testing. Allele origin: germline.
Comment: This sequence change replaces Valine with Methionine at codon 434 of the MEN1 protein (p.Val434Met). The Valine residue is highly conserved and there is a small physicochemical difference between valine and methionine. This variant is present in population databases (rs757803925, ExAC 0.002%). This variant has not been reported in the literature in individuals with MEN1-related conditions. Algorithms developed to predict the effect of missense changes on protein structure and function are either unavailable or do not agree on the potential impact of this missense change (SIFT: "Deleterious"; PolyPhen-2: "Not Available"; Align-GVGD: "Class C0"). In summary, the available evidence is currently insufficient to determine the role of this variant in disease. Therefore, it has been classified as a Variant of Uncertain Significance.